The following is an entry in ClinVar:

ClinVar aggregate classification (germline): Uncertain significance (1 of 4 stars; one submission).

Submission:

Labcorp Genetics (formerly Invitae), Labcorp
Classification: Uncertain significance. Last evaluated: 2025-11-25. Review status: criteria provided, single submitter. Criteria: Invitae Variant Classification Sherloc (09022015). Collection method: clinical testing. Allele origin: germline.
Comment: This sequence change replaces proline, which is neutral and non-polar, with histidine, which is basic and polar, at codon 352 of the LBR protein (p.Pro352His). This variant is not present in population databases (gnomAD no frequency). This variant has not been reported in the literature in individuals affected with LBR-related conditions. Invitae Evidence Modeling of protein sequence and biophysical properties (such as structural, functional, and spatial information, amino acid conservation, physicochemical variation, residue mobility, and thermodynamic stability) indicates that this missense variant is not expected to disrupt LBR protein function with a negative predictive value of 80%. In summary, the available evidence is currently insufficient to determine the role of this variant in disease. Therefore, it has been classified as a Variant of Uncertain Significance.

NM_002296.4(LBR):c.1055C>A (p.Pro352His)

Gene: LBR (lamin B receptor; minus strand). Cytogenetic location: 1q42.12.
Variant type: single nucleotide variant.
Coding change: c.1055C>A on transcript NM_002296.4 (MANE Select); coding-DNA position 1055, C replaced by A.
Protein change: p.Pro352His; replaces proline 352 with histidine.
Molecular consequence: missense variant.
Genome position (GRCh38, 1-based): chr1:225,412,483, G>T on the plus strand (C>A on the coding strand, the complement: LBR is on the minus strand). VCF-style: chr1-225412483-G-T. GRCh37 (hg19) VCF-style: chr1-225600185-G-T.
Other names: c.1055C>A, p.Pro352His (NM_194442.3); short protein forms P352H.
Identifiers: ClinVar variation 4746555 (VCV004746555.1).
Genomic context (GRCh38, chr1:225,412,483, plus strand): 5'-TTCATCCAACATGCAATTCATCACTGCTCACCAGAGCTGGCAGGCGACAGGTCATTCCGG[G>T]GCGCTTTCAAAGAGCGCATGTAGAGATACACACTCAAGACCACACAAAAAACAGTGGCCG-3'
Protein context (NP_002287.2, residues 342-362): VYLYMRSLKA[Pro352His]RNDLSPASSG